The following is an entry in ClinVar:

ClinVar aggregate classification (germline): Uncertain significance (1 of 4 stars; one submission).

Allele frequency attached by ClinVar (database versions not stated): gnomAD exomes 0.00005; ExAC 0.00006; TOPMed 0.00010; gnomAD 0.00012 and 0.00013; ESP Exome Variant Server 0.00023.
gnomAD v4.1: 37 of 1,589,734 alleles (0.0023%); highest among the groups gnomAD compares: African/African-American, 0.043%; no homozygotes.

Submission:

Labcorp Genetics (formerly Invitae), Labcorp
Classification: Uncertain significance. Last evaluated: 2024-11-18. Review status: criteria provided, single submitter. Criteria: Invitae Variant Classification Sherloc (09022015). Collection method: clinical testing. Allele origin: germline.
Comment: This sequence change replaces alanine, which is neutral and non-polar, with threonine, which is neutral and polar, at codon 456 of the IFNAR1 protein (p.Ala456Thr). This variant is present in population databases (rs142424349, gnomAD 0.06%). This variant has not been reported in the literature in individuals affected with IFNAR1-related conditions. ClinVar contains an entry for this variant (Variation ID: 1480136). An algorithm developed to predict the effect of missense changes on protein structure and function (PolyPhen-2) suggests that this variant¬†is likely to be tolerated. In summary, the available evidence is currently insufficient to determine the role of this variant in disease. Therefore, it has been classified as a Variant of Uncertain Significance.

NM_000629.3(IFNAR1):c.1366G>A (p.Ala456Thr)

Gene: IFNAR1 (interferon alpha and beta receptor subunit 1; plus strand). Cytogenetic location: 21q22.11.
Variant type: single nucleotide variant.
Coding change: c.1366G>A on transcript NM_000629.3 (MANE Select); coding-DNA position 1366, G replaced by A.
Protein change: p.Ala456Thr; replaces alanine 456 with threonine.
Molecular consequence: missense variant. On other transcripts: intron variant (1).
Genome position (GRCh38, 1-based): chr21:33,353,709, G>A. VCF-style: chr21-33353709-G-A. GRCh37 (hg19) VCF-style: chr21-34726015-G-A.
Other names: c.1366G>A, p.Ala456Thr (NM_001384498.1, NM_001384503.1); c.604G>A, p.Ala202Thr (NM_001384500.1); c.1351G>A, p.Ala451Thr (NM_001384501.1); c.904G>A, p.Ala302Thr (NM_001384502.1); c.1159G>A, p.Ala387Thr (NM_001384504.1); c.1294+801G>A (NM_001384499.1); short protein forms A302T, A456T, A202T, A451T, A387T.
Identifiers: ClinVar variation 1480136 (VCV001480136.4), dbSNP rs142424349, ClinGen allele CA10006737.
Genomic context (GRCh38, chr21:33,353,709, plus strand): 5'-AAAATTTGGCTTATAGTTGGAATTTGTATTGCATTATTTGCTCTCCCGTTTGTCATTTAT[G>A]CTGCGAAAGTCTTCTTGAGATGCATCAATTATGTCTTCTTTCCATCACTTAAACCTTCTT-3'
Protein context (NP_000620.2, residues 446-466): ALFALPFVIY[Ala456Thr]AKVFLRCINY